The following is an entry in ClinVar:

ClinVar aggregate classification (germline): Pathogenic (1 of 4 stars; one submission).

Conditions:
Developmental and epileptic encephalopathy, 9 (DEE9). Also called: Early infantile epileptic encephalopathy 9; EPILEPSY, FEMALE-RESTRICTED, WITH MENTAL RETARDATION; PCDH19-Related X-Linked Female-Limited Epilepsy with Mental Retardation; JUBERG-HELLMAN SYNDROME. Identifiers: Orphanet 101039, Orphanet 2076, MedGen C1848137, MONDO:0010246, OMIM 300088. Disease mechanism: loss of function.

Submission:

Labcorp Genetics (formerly Invitae), Labcorp
Classification: Pathogenic for Developmental and epileptic encephalopathy, 9. Last evaluated: 2022-11-28. Review status: criteria provided, single submitter. Criteria: Invitae Variant Classification Sherloc (09022015). Collection method: clinical testing. Allele origin: germline.
Comment: This sequence change creates a premature translational stop signal (p.Gln459Argfs*110) in the PCDH19 gene. It is expected to result in an absent or disrupted protein product. Loss-of-function variants in PCDH19 are known to be pathogenic (PMID: 21053371). This variant is not present in population databases (gnomAD no frequency). This variant has not been reported in the literature in individuals affected with PCDH19-related conditions. For these reasons, this variant has been classified as Pathogenic.

Literature cited by the submitters: PubMed 21053371.

NM_001184880.2(PCDH19):c.1375del (p.Gln459fs)

Gene: PCDH19 (protocadherin 19; minus strand). Cytogenetic location: Xq22.1.
Variant type: Deletion.
Coding change: c.1375del on transcript NM_001184880.2 (MANE Select); coding-DNA position 1375, one base deleted (C; older notation c.1375delC).
Protein change: p.Gln459fs; shifts the reading frame from glutamine 459.
Molecular consequence: frameshift variant.
Genome position (GRCh38, 1-based): chrX:100,407,223, G deleted on the plus strand (C on the coding strand, the reverse complement: PCDH19 is on the minus strand); the first of 2 consecutive G bases (chrX:100,407,223-100,407,224); deleting either gives the same sequence. VCF-style (leftmost placement, unchanged base first): chrX-100407222-TG-T. GRCh37 (hg19) VCF-style: chrX-99662220-TG-T.
Other names: c.1375del, p.Gln459fs (NM_001105243.2, NM_020766.3); short protein forms Q459fs.
Identifiers: ClinVar variation 2025453 (VCV002025453.4), dbSNP rs2520982994, ClinGen allele CA2580100028.
Genomic context (GRCh38, chrX:100,407,222, plus strand): 5'-TCGCGAGCAGACACAGAGAGCAGATAGGCGCCAGGCGTGTTGTTCTCCTGCACAATGACC[TG>T]GTAGTAGGGCTTGGAAAAGTGCGGGTGGTTGTCATTTTCGTCAGTGATGAGCACGGTAAA-3'